The following is an entry in ClinVar:

NM_001083961.2(WDR62):c.2238G>A (p.Pro746=)

Gene: WDR62 (WD repeat domain 62; plus strand). Cytogenetic location: 19q13.12.
Variant type: single nucleotide variant.
Coding change: c.2238G>A on transcript NM_001083961.2 (MANE Select); coding-DNA position 2238, G replaced by A.
Protein change: p.Pro746=; no amino-acid change (proline 746 retained).
Molecular consequence: synonymous variant.
Genome position (GRCh38, 1-based): chr19:36,092,716, G>A. VCF-style: chr19-36092716-G-A. GRCh37 (hg19) VCF-style: chr19-36583618-G-A.
Other names: p.Pro746=; c.2238G>A, p.Pro746= (NM_173636.5); c.2238G>A (NM_001083961.1).
Identifiers: ClinVar variation 1403056 (VCV001403056.9), dbSNP rs190314006, ClinGen allele CA9395881.

ClinVar aggregate classification (germline): Likely benign. Review status: criteria provided, multiple submitters, no conflicts (2 of 4 stars). 3 submissions from 3 submitters: Likely benign (2). 1 of the submissions does not count toward it. Last evaluated 2025-08-29.

Conditions:
WDR62-related disorder. Also called: WDR62-related condition.

Allele frequency attached by ClinVar (database versions not stated): gnomAD 0.00001 and 0.00003; TOPMed 0.00001; gnomAD exomes 0.00002; ExAC 0.00003; 1000 Genomes Project 30x 0.00031; 1000 Genomes Project 0.00040.
gnomAD v4.1: 58 of 1,614,160 alleles (0.0036%); highest among the groups gnomAD compares: Middle Eastern, 0.066%; no homozygotes.

Submissions (3):

Mayo Clinic Laboratories, Mayo Clinic
Classification: Likely benign. Last evaluated: 2025-08-29. Review status: criteria provided, single submitter. Criteria: ACMG Guidelines, 2015. Collection method: clinical testing. Allele origin: germline. Observed: 1 variant allele.
Comment: BP4, BP7

Labcorp Genetics (formerly Invitae), Labcorp
Classification: Likely benign. Last evaluated: 2024-11-22. Review status: criteria provided, single submitter. Criteria: Invitae Variant Classification Sherloc (09022015). Collection method: clinical testing. Allele origin: germline.

PreventionGenetics, part of Exact Sciences
Classification: Likely benign for WDR62-related condition. Last evaluated: 2019-03-25. Review status: no assertion criteria provided. Collection method: clinical testing. Allele origin: germline. Not counted in ClinVar's aggregate classification.
Comment: This variant is classified as likely benign based on ACMG/AMP sequence variant interpretation guidelines (Richards et al. 2015 PMID: 25741868, with internal and published modifications).